The following is an entry in ClinVar:

NM_002691.4(POLD1):c.2463_2467dup (p.Arg823fs)

Gene: POLD1 (DNA polymerase delta 1, catalytic subunit; plus strand). Cytogenetic location: 19q13.33.
Variant type: Duplication.
Coding change: c.2463_2467dup on transcript NM_002691.4 (MANE Select); coding-DNA positions 2463 to 2467, 5 bases duplicated (CGACC; older notation c.2463_2467dupCGACC).
Protein change: p.Arg823fs; shifts the reading frame from arginine 823.
Molecular consequence: frameshift variant. On other transcripts: non-coding transcript variant (1).
Genome position (GRCh38, 1-based): chr19:50,414,889-50,414,893, CGACC duplicated. VCF-style (leftmost placement, unchanged base first): chr19-50414888-A-ACGACC. GRCh37 (hg19) VCF-style: chr19-50918145-A-ACGACC.
Other names: c.2463_2467dup, p.Arg823fs (NM_001256849.1); c.2541_2545dup, p.Arg849fs (NM_001308632.1); short protein forms R823fs, R849fs.
Identifiers: ClinVar variation 3364183 (VCV003364183.1).

ClinVar aggregate classification (germline): Uncertain significance (1 of 4 stars; one submission).

Submission:

GeneDx
Classification: Uncertain significance. Last evaluated: 2023-11-13. Review status: criteria provided, single submitter. Criteria: GeneDx Variant Classification Process June 2021. Collection method: clinical testing. Allele origin: germline. Affected: yes.
Comment: Not observed at significant frequency in large population cohorts (gnomAD); Has not been previously published as pathogenic or benign to our knowledge; Frameshift variant predicted to result in protein truncation or nonsense mediated decay in a gene for which loss-of-function is not an established mechanism of disease